The following is an entry in ClinVar:

NM_001042492.3(NF1):c.205-18_205-15dup

Gene: NF1 (neurofibromin 1; plus strand). Cytogenetic location: 17q11.2.
Variant type: Duplication.
Coding change: c.205-18_205-15dup on transcript NM_001042492.3 (MANE Select); 18 bases into the intron before coding-DNA position 205 through 15 bases into the intron before coding-DNA position 205, 4 bases duplicated (GAAT; older notation c.205-18_205-15dupGAAT).
Molecular consequence: intron variant.
Genome position (GRCh38, 1-based): chr17:31,158,992-31,158,995, GAAT duplicated; duplicating any 4 consecutive bases within chr17:31,158,991-31,158,995 gives the same sequence; the c. name uses the placement nearest the transcript's 3' end. VCF-style (leftmost placement, unchanged base first): chr17-31158990-C-CTGAA. GRCh37 (hg19) VCF-style: chr17-29486008-C-CTGAA.
Other names: c.205-18_205-15dup (NM_000267.4, NM_001128147.3).
Identifiers: ClinVar variation 2035747 (VCV002035747.4), dbSNP rs2544690135, ClinGen allele CA2580092845.

ClinVar aggregate classification (germline): Uncertain significance (1 of 4 stars; one submission).

Conditions:
Neurofibromatosis, type 1 (NF1). Also called: VON RECKLINGHAUSEN DISEASE; NEUROFIBROMATOSIS, TYPE I, SOMATIC; Neurofibromatosis, type I; Peripheral type neurofibromatosis. Identifiers: Orphanet 636, MedGen C0027831, MONDO:0018975, OMIM 162200. Disease mechanism: loss of function.

Submission:

Labcorp Genetics (formerly Invitae), Labcorp
Classification: Uncertain significance for Neurofibromatosis, type 1. Last evaluated: 2022-10-16. Review status: criteria provided, single submitter. Criteria: Invitae Variant Classification Sherloc (09022015). Collection method: clinical testing. Allele origin: germline.
Comment: In summary, the available evidence is currently insufficient to determine the role of this variant in disease. Therefore, it has been classified as a Variant of Uncertain Significance. Algorithms developed to predict the effect of sequence changes on RNA splicing suggest that this variant may disrupt the consensus splice site. This sequence change falls in intron 2 of the NF1 gene. It does not directly change the encoded amino acid sequence of the NF1 protein. This variant is not present in population databases (gnomAD no frequency). This variant has not been reported in the literature in individuals affected with NF1-related conditions.